The following is an entry in ClinVar:

ClinVar aggregate classification (germline): Uncertain significance (1 of 4 stars; one submission).

Submission:

Labcorp Genetics (formerly Invitae), Labcorp
Classification: Uncertain significance. Last evaluated: 2023-07-07. Review status: criteria provided, single submitter. Criteria: Invitae Variant Classification Sherloc (09022015). Collection method: clinical testing. Allele origin: germline.
Comment: In summary, the available evidence is currently insufficient to determine the role of this variant in disease. Therefore, it has been classified as a Variant of Uncertain Significance. This sequence change replaces glycine, which is neutral and non-polar, with serine, which is neutral and polar, at codon 186 of the PDE10A protein (p.Gly186Ser). This variant is not present in population databases (gnomAD no frequency). This variant has not been reported in the literature in individuals affected with PDE10A-related conditions. ClinVar contains an entry for this variant (Variation ID: 2067045). An algorithm developed to predict the effect of missense changes on protein structure and function (PolyPhen-2) suggests that this variant is likely to be disruptive.

NM_001385079.1(PDE10A):c.1354G>A (p.Gly452Ser)

Gene: PDE10A (phosphodiesterase 10A; minus strand). Cytogenetic location: 6q27.
Variant type: single nucleotide variant.
Coding change: c.1354G>A on transcript NM_001385079.1 (MANE Select); coding-DNA position 1354, G replaced by A.
Protein change: p.Gly452Ser; replaces glycine 452 with serine.
Molecular consequence: missense variant.
Genome position (GRCh38, 1-based): chr6:165,433,111, C>T on the plus strand (G>A on the coding strand, the complement: PDE10A is on the minus strand). VCF-style: chr6-165433111-C-T. GRCh37 (hg19) VCF-style: chr6-165846599-C-T.
Other names: c.556G>A, p.Gly186Ser (NM_001130690.3); c.526G>A, p.Gly176Ser (NM_006661.4); short protein forms G452S, G176S, G186S.
Identifiers: ClinVar variation 2067045 (VCV002067045.4), dbSNP rs2534000231, ClinGen allele CA366482788.